The following is an entry in ClinVar:

ClinVar aggregate classification (germline): Uncertain significance. Review status: criteria provided, multiple submitters, no conflicts (2 of 4 stars). 3 submissions from 3 submitters: Uncertain significance (3). Last evaluated 2022-07-16.

Conditions:
Progressive myoclonic epilepsy. Also called: Familial progressive myoclonic epilepsy; Myoclonus epilepsy; Progressive myoclonus epilepsy; Myoclonic Epilepsies, Progressive. Identifiers: Orphanet 308, Orphanet 98261, MedGen C0751778, MONDO:0020074.
Inborn genetic diseases. Identifiers: MedGen C0950123, MeSH D030342.

Allele frequency attached by ClinVar (database versions not stated): gnomAD 0.00001; TOPMed 0.00003.
gnomAD v4.1: 4 of 1,438,558 alleles (0.00028%); highest among the groups gnomAD compares: Admixed American, 0.0017%; no homozygotes.

Submissions (3):

Labcorp Genetics (formerly Invitae), Labcorp
Classification: Uncertain significance for Progressive myoclonic epilepsy. Last evaluated: 2022-07-16. Review status: criteria provided, single submitter. Criteria: Invitae Variant Classification Sherloc (09022015). Collection method: clinical testing. Allele origin: germline.
Comment: This sequence change falls in intron 2 of the GOSR2 gene. It does not directly change the encoded amino acid sequence of the GOSR2 protein. It affects a nucleotide within the consensus splice site. This variant is not present in population databases (gnomAD no frequency). This variant has not been reported in the literature in individuals affected with GOSR2-related conditions. ClinVar contains an entry for this variant (Variation ID: 205633). Variants that disrupt the consensus splice site are a relatively common cause of aberrant splicing (PMID: 17576681, 9536098). Algorithms developed to predict the effect of sequence changes on RNA splicing suggest that this variant may disrupt the consensus splice site. In summary, the available evidence is currently insufficient to determine the role of this variant in disease. Therefore, it has been classified as a Variant of Uncertain Significance.

Ambry Genetics
Classification: Uncertain significance for Inborn genetic diseases. Last evaluated: 2018-07-10. Review status: criteria provided, single submitter. Criteria: Ambry Variant Classification Scheme 2023. Collection method: clinical testing. Allele origin: germline.
Comment: The c.94+4A>G intronic variant results from an A to G substitution 4 nucleotides after coding exon 2 in the GOSR2 gene. This nucleotide position is highly conserved in available vertebrate species. This splice prediction software predicts the creation of a new alternate splice donor site; however, direct evidence is unavailable. Since supporting evidence is limited at this time, the clinical significance of this alteration remains unclear.

GeneDx
Classification: Uncertain significance. Last evaluated: 2014-03-04. Review status: criteria provided, single submitter. Criteria: GeneDx Variant Classification (06012015). Collection method: clinical testing. Allele origin: germline. Affected: yes.
Comment: c.94+4 A>G: IVS2+4 A>G in intron 2 of the GOSR2 gene (NM_054022.2). The c.94+4 A>G variant has not been published as a mutation, nor has it been reported as a benign polymorphism to our knowledge. In silico analysis predicts that c.94+4 A>G damages the natural donor splice site and creates a new donor site leading to abnormal splicing. However, in the absence of RNA/functional studies the actual effect of the c.94+4 A>G sequence change is unknown. Therefore, based on the currently available information, it is unclear whether this variant is a pathogenic mutation or a rare benign variant. The variant is found in EPILEPSY panel(s).

Literature cited by the submitters: PubMed 17576681 (cited by Labcorp Genetics (formerly Invitae), Labcorp); PubMed 9536098 (cited by Labcorp Genetics (formerly Invitae), Labcorp).

NM_004287.5(GOSR2):c.94+4A>G

Genes: GOSR2 (golgi SNAP receptor complex member 2; plus strand), LRRC37A2 (leucine rich repeat containing 37 member A2). Cytogenetic location: 17q21.32.
Variant type: single nucleotide variant.
Coding change: c.94+4A>G on transcript NM_004287.5 (MANE Select); 4 bases into the intron after coding-DNA position 94, A replaced by G.
Molecular consequence: intron variant.
Genome position (GRCh38, 1-based): chr17:46,929,588, A>G. VCF-style: chr17-46929588-A-G. GRCh37 (hg19) VCF-style: chr17-45006954-A-G.
Other names: c.94+4A>G (NM_001321133.2, NM_054022.4, NM_001330252.2 and 4 more transcripts); c.40+4A>G (NM_001363851.2, NM_001321134.2).
Identifiers: ClinVar variation 205633 (VCV000205633.7), dbSNP rs796052540, ClinGen allele CA314907.